The following is an entry in ClinVar:

NM_020822.3(KCNT1):c.457T>C (p.Tyr153His)

Gene: KCNT1 (potassium sodium-activated channel subfamily T member 1; plus strand). Cytogenetic location: 9q34.3.
Variant type: single nucleotide variant.
Coding change: c.457T>C on transcript NM_020822.3 (MANE Select); coding-DNA position 457, T replaced by C.
Protein change: p.Tyr153His; replaces tyrosine 153 with histidine.
Molecular consequence: missense variant.
Genome position (GRCh38, 1-based): chr9:135,753,959, T>C. VCF-style: chr9-135753959-T-C. GRCh37 (hg19) VCF-style: chr9-138645805-T-C.
Other names: c.313T>C, p.Tyr105His (NM_001272003.2); short protein forms Y105H, Y153H.
Identifiers: ClinVar variation 1368337 (VCV001368337.6), dbSNP rs757995472, ClinGen allele CA5326447.

ClinVar aggregate classification (germline): Uncertain significance (1 of 4 stars; one submission).

Conditions:
Autosomal dominant nocturnal frontal lobe epilepsy 5. Also called: CILIARY DYSKINESIA, PRIMARY, 28, WITH SITUS INVERSUS; KCNT1-Related Epilepsy; CILIARY DYSKINESIA, PRIMARY, 28, WITHOUT SITUS INVERSUS; Epilepsy, nocturnal frontal lobe, 5. Identifiers: Orphanet 98784, MedGen C3554306, MONDO:0014002, OMIM 615005.
Developmental and epileptic encephalopathy, 14 (DEE14). Also called: Early infantile epileptic encephalopathy 14. Identifiers: Orphanet 293181, MedGen C3554195, MONDO:0013989, OMIM 614959.

Allele frequency attached by ClinVar (database versions not stated): gnomAD exomes below 0.00001 and 0.00001; TOPMed below 0.00001; ExAC 0.00001.
gnomAD v4.1: 8 of 1,614,108 alleles (0.0005%); highest among the groups gnomAD compares: Non-Finnish European, 0.00068%; no homozygotes.

Submission:

Labcorp Genetics (formerly Invitae), Labcorp
Classification: Uncertain significance for Autosomal dominant nocturnal frontal lobe epilepsy 5; Developmental and epileptic encephalopathy, 14. Last evaluated: 2025-11-23. Review status: criteria provided, single submitter. Criteria: Invitae Variant Classification Sherloc (09022015). Collection method: clinical testing. Allele origin: germline.
Comment: This sequence change replaces tyrosine, which is neutral and polar, with histidine, which is basic and polar, at codon 153 of the KCNT1 protein (p.Tyr153His). This variant is present in population databases (rs757995472, gnomAD 0.0009%). This variant has not been reported in the literature in individuals affected with KCNT1-related conditions. ClinVar contains an entry for this variant (Variation ID: 1368337). Invitae Evidence Modeling of protein sequence and biophysical properties (such as structural, functional, and spatial information, amino acid conservation, physicochemical variation, residue mobility, and thermodynamic stability) indicates that this missense variant is not expected to disrupt KCNT1 protein function with a negative predictive value of 95%. In summary, the available evidence is currently insufficient to determine the role of this variant in disease. Therefore, it has been classified as a Variant of Uncertain Significance.